The following is an entry in ClinVar:

ClinVar aggregate classification (germline): Uncertain significance (1 of 4 stars; one submission).

Submission:

Labcorp Genetics (formerly Invitae), Labcorp
Classification: Uncertain significance. Last evaluated: 2025-01-29. Review status: criteria provided, single submitter. Criteria: Invitae Variant Classification Sherloc (09022015). Collection method: clinical testing. Allele origin: germline.
Comment: This sequence change replaces isoleucine, which is neutral and non-polar, with valine, which is neutral and non-polar, at codon 316 of the RFWD3 protein (p.Ile316Val). This variant is not present in population databases (gnomAD no frequency). This variant has not been reported in the literature in individuals affected with RFWD3-related conditions. An algorithm developed to predict the effect of missense changes on protein structure and function (PolyPhen-2) suggests that this variant is likely to be disruptive. In summary, the available evidence is currently insufficient to determine the role of this variant in disease. Therefore, it has been classified as a Variant of Uncertain Significance.

NM_018124.4(RFWD3):c.946A>G (p.Ile316Val)

Gene: RFWD3 (ring finger and WD repeat domain 3; minus strand). Cytogenetic location: 16q23.1.
Variant type: single nucleotide variant.
Coding change: c.946A>G on transcript NM_018124.4 (MANE Select); coding-DNA position 946, A replaced by G.
Protein change: p.Ile316Val; replaces isoleucine 316 with valine.
Molecular consequence: missense variant.
Genome position (GRCh38, 1-based): chr16:74,644,582, T>C on the plus strand (A>G on the coding strand, the complement: RFWD3 is on the minus strand). VCF-style: chr16-74644582-T-C. GRCh37 (hg19) VCF-style: chr16-74678480-T-C.
Other names: c.946A>G, p.Ile316Val (NM_001370534.1, NM_001370535.1, NM_001370536.1); c.112A>G, p.Ile38Val (NM_001370537.1, NM_001370539.1, NM_001370540.1 and 2 more transcripts); short protein forms I316V, I38V.
Identifiers: ClinVar variation 3672236 (VCV003672236.2).
Genomic context (GRCh38, chr16:74,644,582, plus strand): 5'-CCTTACCTATGGTCCTTACCTGGGGACATTTTCGTACTTGTCCTTTAAGCCACGTGGAAA[T>C]GCACCTATACCCAAAGAGATGCCCACAGCGTAATGCTGAGAGCCGGTGGTCCCCAGCATT-3'
Protein context (NP_060594.3, residues 306-326): RCGHLFGYRC[Ile316Val]STWLKGQVRK